The following is an entry in ClinVar:

NM_004963.4(GUCY2C):c.2783G>A (p.Cys928Tyr)

Genes: GUCY2C (guanylate cyclase 2C; minus strand), PLBD1-AS1 (PLBD1 antisense RNA 1; plus strand). Cytogenetic location: 12p12.3.
Variant type: single nucleotide variant.
Coding change: c.2783G>A on transcript NM_004963.4 (MANE Select); coding-DNA position 2783, G replaced by A.
Protein change: p.Cys928Tyr; replaces cysteine 928 with tyrosine.
Molecular consequence: missense variant. On other transcripts: non-coding transcript variant (1).
Genome position (GRCh38, 1-based): chr12:14,619,303, C>T on the plus strand (G>A on the coding strand, the complement: GUCY2C is on the minus strand). VCF-style: chr12-14619303-C-T. GRCh37 (hg19) VCF-style: chr12-14772237-C-T.
Other names: short protein forms C928Y.
Identifiers: ClinVar variation 2998309 (VCV002998309.4), dbSNP rs755760159, ClinGen allele CA6462975.

ClinVar aggregate classification (germline): Uncertain significance. Review status: criteria provided, multiple submitters, no conflicts (2 of 4 stars). 2 submissions from 2 submitters: Uncertain significance (2). Last evaluated 2025-01-21.

Conditions:
Congenital diarrhea 6. Identifiers: Orphanet 314373, MedGen C3553270, MONDO:0013825, OMIM 614616.
Intestinal obstruction in the newborn due to guanylate cyclase 2C deficiency. Identifiers: Orphanet 314376, MedGen C4518781, MONDO:0013843, OMIM 614665.

Allele frequency attached by ClinVar (database versions not stated): ExAC 0.00001; TOPMed 0.00001.
gnomAD v4.1: 30 of 1,606,290 alleles (0.0019%); highest among the groups gnomAD compares: Non-Finnish European, 0.0025%; no homozygotes.

Submissions (2):

Labcorp Genetics (formerly Invitae), Labcorp
Classification: Uncertain significance. Last evaluated: 2025-01-21. Review status: criteria provided, single submitter. Criteria: Invitae Variant Classification Sherloc (09022015). Collection method: clinical testing. Allele origin: germline.
Comment: This sequence change replaces cysteine, which is neutral and slightly polar, with tyrosine, which is neutral and polar, at codon 928 of the GUCY2C protein (p.Cys928Tyr). This variant is present in population databases (rs755760159, gnomAD 0.002%). This variant has not been reported in the literature in individuals affected with GUCY2C-related conditions. ClinVar contains an entry for this variant (Variation ID: 2998309). Invitae Evidence Modeling of protein sequence and biophysical properties (such as structural, functional, and spatial information, amino acid conservation, physicochemical variation, residue mobility, and thermodynamic stability) indicates that this missense variant is expected to disrupt GUCY2C protein function with a positive predictive value of 80%. In summary, the available evidence is currently insufficient to determine the role of this variant in disease. Therefore, it has been classified as a Variant of Uncertain Significance.

Department of Pathology and Laboratory Medicine, Sinai Health System
Classification: Uncertain significance for Congenital diarrhea 6; Intestinal obstruction in the newborn due to guanylate cyclase 2C deficiency. Last evaluated: 2021-11-22. Review status: criteria provided, single submitter. Criteria: ACMG Guidelines, 2015. Collection method: research. Allele origin: germline.